The following is an entry in ClinVar:

NM_003839.4(TNFRSF11A):c.1000G>A (p.Glu334Lys)

Gene: TNFRSF11A (TNF receptor superfamily member 11a; plus strand). Cytogenetic location: 18q21.33.
Variant type: single nucleotide variant.
Coding change: c.1000G>A on transcript NM_003839.4 (MANE Select); coding-DNA position 1000, G replaced by A.
Protein change: p.Glu334Lys; replaces glutamic acid 334 with lysine.
Molecular consequence: missense variant. On other transcripts: intron variant (3).
Genome position (GRCh38, 1-based): chr18:62,368,917, G>A. VCF-style: chr18-62368917-G-A. GRCh37 (hg19) VCF-style: chr18-60036150-G-A.
Other names: c.958G>A, p.Glu320Lys (NM_001278268.2); c.783+2157G>A (NM_001270949.2); c.730+7124G>A (NM_001270950.2); c.616+8868G>A (NM_001270951.2); short protein forms E320K, E334K.
Identifiers: ClinVar variation 1401234 (VCV001401234.9), dbSNP rs759786718, ClinGen allele CA402616550.

ClinVar aggregate classification (germline): Uncertain significance (1 of 4 stars; one submission).

Allele frequency attached by ClinVar (database versions not stated): gnomAD 0.00001; TOPMed 0.00003.
gnomAD v4.1: 11 of 1,614,134 alleles (0.00068%); highest among the groups gnomAD compares: African/African-American, 0.0027%; no homozygotes.

Submission:

Labcorp Genetics (formerly Invitae), Labcorp
Classification: Uncertain significance. Last evaluated: 2025-12-03. Review status: criteria provided, single submitter. Criteria: Invitae Variant Classification Sherloc (09022015). Collection method: clinical testing. Allele origin: germline.
Comment: This sequence change replaces glutamic acid, which is acidic and polar, with lysine, which is basic and polar, at codon 334 of the TNFRSF11A protein (p.Glu334Lys). This variant is present in population databases (no rsID available, gnomAD 0.003%). This variant has not been reported in the literature in individuals affected with TNFRSF11A-related conditions. ClinVar contains an entry for this variant (Variation ID: 1401234). An algorithm developed to predict the effect of missense changes on protein structure and function (PolyPhen-2) suggests that this variant is likely to be tolerated. In summary, the available evidence is currently insufficient to determine the role of this variant in disease. Therefore, it has been classified as a Variant of Uncertain Significance.